The following is an entry in ClinVar:

NM_144997.7(FLCN):c.410G>T (p.Arg137Leu)

Gene: FLCN (folliculin; minus strand). Cytogenetic location: 17p11.2.
Variant type: single nucleotide variant.
Coding change: c.410G>T on transcript NM_144997.7 (MANE Select); coding-DNA position 410, G replaced by T.
Protein change: p.Arg137Leu; replaces arginine 137 with leucine.
Molecular consequence: missense variant.
Genome position (GRCh38, 1-based): chr17:17,224,130, C>A on the plus strand (G>T on the coding strand, the complement: FLCN is on the minus strand). VCF-style: chr17-17224130-C-A. GRCh37 (hg19) VCF-style: chr17-17127444-C-A.
Other names: c.464G>T, p.Arg155Leu (NM_001353229.2); c.410G>T, p.Arg137Leu (NM_001353230.2, NM_001353231.2, NM_144606.7); short protein forms R155L, R137L.
Identifiers: ClinVar variation 2749014 (VCV002749014.3), dbSNP rs1289872207, ClinGen allele CA398534626.

ClinVar aggregate classification (germline): Uncertain significance (1 of 4 stars; one submission).

Conditions:
Birt-Hogg-Dube syndrome. Also called: Birt Hogg Dubé syndrome. Identifiers: Orphanet 122, MedGen C0346010, MONDO:0800444.

gnomAD v4.1: 1 of 1,592,222 alleles (0.000063%); highest among the groups gnomAD compares: Non-Finnish European, 0.000086%; no homozygotes.

Submission:

Labcorp Genetics (formerly Invitae), Labcorp
Classification: Uncertain significance for Birt-Hogg-Dube syndrome. Last evaluated: 2023-09-05. Review status: criteria provided, single submitter. Criteria: Invitae Variant Classification Sherloc (09022015). Collection method: clinical testing. Allele origin: germline.
Comment: In summary, the available evidence is currently insufficient to determine the role of this variant in disease. Therefore, it has been classified as a Variant of Uncertain Significance. Advanced modeling of protein sequence and biophysical properties (such as structural, functional, and spatial information, amino acid conservation, physicochemical variation, residue mobility, and thermodynamic stability) performed at Invitae indicates that this missense variant is expected to disrupt FLCN protein function. This variant has not been reported in the literature in individuals affected with FLCN-related conditions. This variant is not present in population databases (gnomAD no frequency). This sequence change replaces arginine, which is basic and polar, with leucine, which is neutral and non-polar, at codon 137 of the FLCN protein (p.Arg137Leu).